The following is an entry in ClinVar:

NM_007078.3(LDB3):c.-48G>T

Gene: LDB3 (LIM domain binding 3; plus strand). Cytogenetic location: 10q23.2.
Variant type: single nucleotide variant.
Coding change: c.-48G>T on transcript NM_007078.3 (MANE Select); 48 bases upstream of the start codon, G replaced by T.
Molecular consequence: 5 prime UTR variant. On other transcripts: intron variant (3).
Genome position (GRCh38, 1-based): chr10:86,668,546, G>T. VCF-style: chr10-86668546-G-T. GRCh37 (hg19) VCF-style: chr10-88428303-G-T.
Other names: c.-48G>T (NM_001080114.2, NM_001080115.2, NM_001171610.2 and 4 more transcripts); c.-23-123G>T (NM_001368064.1, NM_001368063.1, NM_001368068.1).
Identifiers: ClinVar variation 380120 (VCV000380120.1), dbSNP rs2803556, ClinGen allele CA16605693.

ClinVar aggregate classification (germline): Likely benign (1 of 4 stars; one submission).

Allele frequency attached by ClinVar (database versions not stated): TOPMed 0.00024.
gnomAD v4.1: 54 of 734,928 alleles (0.0073%); highest among the groups gnomAD compares: African/African-American, 0.079%; no homozygotes.

Submission:

GeneDx
Classification: Likely benign. Last evaluated: 2017-04-06. Review status: criteria provided, single submitter. Criteria: GeneDx Variant Classification (06012015). Collection method: clinical testing. Allele origin: germline. Affected: yes.
Comment: This variant is considered likely benign or benign based on one or more of the following criteria: it is a conservative change, it occurs at a poorly conserved position in the protein, it is predicted to be benign by multiple in silico algorithms, and/or has population frequency not consistent with disease.